The following is an entry in ClinVar:

NM_000051.4(ATM):c.6897C>G (p.Phe2299Leu)

Genes: ATM (ATM serine/threonine kinase; plus strand), C11orf65 (chromosome 11 open reading frame 65; minus strand). Cytogenetic location: 11q22.3.
Variant type: single nucleotide variant.
Coding change: c.6897C>G on transcript NM_000051.4 (MANE Select); coding-DNA position 6897, C replaced by G.
Protein change: p.Phe2299Leu; replaces phenylalanine 2299 with leucine.
Molecular consequence: missense variant. On other transcripts: intron variant (2).
Genome position (GRCh38, 1-based): chr11:108,326,147, C>G. VCF-style: chr11-108326147-C-G. GRCh37 (hg19) VCF-style: chr11-108196874-C-G.
Other names: c.6897C>G, p.Phe2299Leu (NM_001351834.2); c.641-17076G>C (NM_001330368.2); c.*38+9073G>C (NM_001351110.2); short protein forms F2299L.
Identifiers: ClinVar variation 407550 (VCV000407550.13), dbSNP rs777164914, ClinGen allele CA16613197.

ClinVar aggregate classification (germline): Uncertain significance. Review status: criteria provided, multiple submitters, no conflicts (2 of 4 stars). 3 submissions from 3 submitters: Uncertain significance (3). Last evaluated 2024-01-26.

Conditions:
Hereditary cancer-predisposing syndrome. Also called: Neoplastic Syndromes, Hereditary; Hereditary Cancer Syndrome; Tumor predisposition; Hereditary neoplastic syndrome. Identifiers: Orphanet 140162, MedGen C0027672, MeSH D009386, MONDO:0015356.
Ataxia-telangiectasia syndrome (AT). Also called: LOUIS-BAR SYNDROME; Cerebello-oculocutaneous telangiectasia; Immunodeficiency with ataxia telangiectasia; Ataxia-telangiectasia, complementation group D; AT, COMPLEMENTATION GROUP C; Ataxia-telangiectasia, complementation group E. Identifiers: Orphanet 100, MedGen C0004135, MONDO:0008840, OMIM 208900.

Submissions (3):

Labcorp Genetics (formerly Invitae), Labcorp
Classification: Uncertain significance for Ataxia-telangiectasia syndrome. Last evaluated: 2024-01-26. Review status: criteria provided, single submitter. Criteria: Invitae Variant Classification Sherloc (09022015). Collection method: clinical testing. Allele origin: germline.
Comment: This sequence change replaces phenylalanine, which is neutral and non-polar, with leucine, which is neutral and non-polar, at codon 2299 of the ATM protein (p.Phe2299Leu). This variant is not present in population databases (gnomAD no frequency). This variant has not been reported in the literature in individuals affected with ATM-related conditions. ClinVar contains an entry for this variant (Variation ID: 407550). An algorithm developed to predict the effect of missense changes on protein structure and function (PolyPhen-2) suggests that this variant is likely to be disruptive. In summary, the available evidence is currently insufficient to determine the role of this variant in disease. Therefore, it has been classified as a Variant of Uncertain Significance.

Ambry Genetics
Classification: Uncertain significance for Hereditary cancer-predisposing syndrome. Last evaluated: 2020-11-02. Review status: criteria provided, single submitter. Criteria: Ambry Variant Classification Scheme 2023. Collection method: clinical testing. Allele origin: germline.
Comment: The p.F2299L variant (also known as c.6897C>G), located in coding exon 46 of the ATM gene, results from a C to G substitution at nucleotide position 6897. The phenylalanine at codon 2299 is replaced by leucine, an amino acid with highly similar properties. This amino acid position is highly conserved in available vertebrate species. In addition, the in silico prediction for this alteration is inconclusive. Since supporting evidence is limited at this time, the clinical significance of this alteration remains unclear.

Mendelics
Classification: Uncertain significance for Ataxia-telangiectasia syndrome. Last evaluated: 2018-07-02. Review status: criteria provided, single submitter. Criteria: Mendelics Assertion Criteria 2017. Collection method: clinical testing. Allele origin: unknown.